The following is an entry in ClinVar:

NM_017882.3(CLN6):c.599C>G (p.Ser200Cys)

Gene: CLN6 (CLN6 transmembrane ER protein; minus strand). Cytogenetic location: 15q23.
Variant type: single nucleotide variant.
Coding change: c.599C>G on transcript NM_017882.3 (MANE Select); coding-DNA position 599, C replaced by G.
Protein change: p.Ser200Cys; replaces serine 200 with cysteine.
Molecular consequence: missense variant.
Genome position (GRCh38, 1-based): chr15:68,209,703, G>C on the plus strand (C>G on the coding strand, the complement: CLN6 is on the minus strand). VCF-style: chr15-68209703-G-C. GRCh37 (hg19) VCF-style: chr15-68502041-G-C.
Other names: short protein forms S200C.
Identifiers: ClinVar variation 1416348 (VCV001416348.3), dbSNP rs796052357, ClinGen allele CA313972.

ClinVar aggregate classification (germline): Uncertain significance (1 of 4 stars; one submission).

Conditions:
Neuronal ceroid lipofuscinosis. Also called: Neuronal Ceroid Lipofuscinoses. Identifiers: Orphanet 216, Orphanet 79263, MedGen C0027877, MONDO:0016295. Disease mechanism: loss of function.

Allele frequency attached by ClinVar (database versions not stated): gnomAD exomes below 0.00001; gnomAD 0.00001; TOPMed 0.00001.
gnomAD v4.1: 3 of 1,613,734 alleles (0.00019%); highest among the groups gnomAD compares: African/African-American, 0.0027%; no homozygotes.

Submission:

Labcorp Genetics (formerly Invitae), Labcorp
Classification: Uncertain significance for Neuronal ceroid lipofuscinosis. Last evaluated: 2022-07-19. Review status: criteria provided, single submitter. Criteria: Invitae Variant Classification Sherloc (09022015). Collection method: clinical testing. Allele origin: germline.
Comment: This sequence change replaces serine, which is neutral and polar, with cysteine, which is neutral and slightly polar, at codon 200 of the CLN6 protein (p.Ser200Cys). This variant is not present in population databases (gnomAD no frequency). This variant has not been reported in the literature in individuals affected with CLN6-related conditions. ClinVar contains an entry for this variant (Variation ID: 1416348). Algorithms developed to predict the effect of missense changes on protein structure and function output the following: SIFT: "Tolerated"; PolyPhen-2: "Benign"; Align-GVGD: "Class C0". The cysteine amino acid residue is found in multiple mammalian species, which suggests that this missense change does not adversely affect protein function. In summary, the available evidence is currently insufficient to determine the role of this variant in disease. Therefore, it has been classified as a Variant of Uncertain Significance.